The following is an entry in ClinVar:

ClinVar aggregate classification (germline): Uncertain significance (1 of 4 stars; one submission).

Conditions:
Inborn genetic diseases. Identifiers: MedGen C0950123, MeSH D030342.

gnomAD v4.1: 1 of 1,614,134 alleles (0.000062%); highest among the groups gnomAD compares: South Asian, 0.0011%; no homozygotes.

Submission:

Ambry Genetics
Classification: Uncertain significance for Inborn genetic diseases. Last evaluated: 2024-09-18. Review status: criteria provided, single submitter. Criteria: Ambry Variant Classification Scheme 2023. Collection method: clinical testing. Allele origin: germline.
Comment: The p.Q970R variant (also known as c.2909A>G), located in coding exon 22 of the BUB1B gene, results from an A to G substitution at nucleotide position 2909. The glutamine at codon 970 is replaced by arginine, an amino acid with highly similar properties. This amino acid position is conserved. In addition, this alteration is predicted to be tolerated by in silico analysis. Based on the available evidence, the clinical significance of this variant remains unclear.

NM_001211.6(BUB1B):c.2909A>G (p.Gln970Arg)

Genes: BUB1B (BUB1 mitotic checkpoint serine/threonine kinase B; plus strand), BUB1B-PAK6 (BUB1B-PAK6 readthrough; plus strand). Cytogenetic location: 15q15.1.
Variant type: single nucleotide variant.
Coding change: c.2909A>G on transcript NM_001211.6 (MANE Select); coding-DNA position 2909, A replaced by G.
Protein change: p.Gln970Arg; replaces glutamine 970 with arginine.
Molecular consequence: missense variant. On other transcripts: intron variant (2).
Genome position (GRCh38, 1-based): chr15:40,218,514, A>G. VCF-style: chr15-40218514-A-G. GRCh37 (hg19) VCF-style: chr15-40510715-A-G.
Other names: c.-201+847A>G (NM_001128628.3); c.-118+847A>G (NM_001128629.3); short protein forms Q970R.
Identifiers: ClinVar variation 3483197 (VCV003483197.1).